The following is an entry in ClinVar:

ClinVar aggregate classification (germline): Pathogenic (1 of 4 stars; one submission).

Submission:

Labcorp Genetics (formerly Invitae), Labcorp
Classification: Pathogenic. Last evaluated: 2023-08-14. Review status: criteria provided, single submitter. Criteria: Invitae Variant Classification Sherloc (09022015). Collection method: clinical testing. Allele origin: unknown.
Comment: For these reasons, this variant has been classified as Pathogenic. A similar copy number variant has been observed in individual(s) with pseudoxanthoma elasticum (PMID: 11536079, 28102862). This variant is a gross deletion of the genomic region encompassing exon(s) 15 of the ABCC6 gene. This deletion is out-of-frame, and is expected to create a premature termination codon and result in an absent or disrupted protein product. Loss-of-function variants in ABCC6 are known to be pathogenic (PMID: 11536079, 17617515).

Literature cited by the submitters: PubMed 11536079; PubMed 28102862; PubMed 17617515.

NC_000016.9:g.(?_16278796)_(16278911_?)del

Gene: ABCC6 (ATP binding cassette subfamily C member 6; minus strand). Cytogenetic location: 16p13.11.
Variant type: Deletion.
Identifiers: ClinVar variation 3243617 (VCV003243617.1).